The following is an entry in ClinVar:

NM_001099274.3(TINF2):c.902C>T (p.Ser301Phe)

Gene: TINF2 (TERF1 interacting nuclear factor 2; minus strand). Cytogenetic location: 14q12.
Variant type: single nucleotide variant.
Coding change: c.902C>T on transcript NM_001099274.3 (MANE Select); coding-DNA position 902, C replaced by T.
Protein change: p.Ser301Phe; replaces serine 301 with phenylalanine.
Molecular consequence: missense variant.
Genome position (GRCh38, 1-based): chr14:24,240,578, G>A on the plus strand (C>T on the coding strand, the complement: TINF2 is on the minus strand). VCF-style: chr14-24240578-G-A. GRCh37 (hg19) VCF-style: chr14-24709784-G-A.
Other names: c.797C>T, p.Ser266Phe (NM_001363668.2); c.902C>T, p.Ser301Phe (NM_012461.3); short protein forms S266F, S301F.
Identifiers: ClinVar variation 4715409 (VCV004715409.1).

ClinVar aggregate classification (germline): Uncertain significance (1 of 4 stars; one submission).

Conditions:
Dyskeratosis congenita. Identifiers: Orphanet 1775, MedGen C0265965, MONDO:0015780.

Submission:

Labcorp Genetics (formerly Invitae), Labcorp
Classification: Uncertain significance for Dyskeratosis congenita. Last evaluated: 2025-11-10. Review status: criteria provided, single submitter. Criteria: Invitae Variant Classification Sherloc (09022015). Collection method: clinical testing. Allele origin: germline.
Comment: This sequence change replaces serine, which is neutral and polar, with phenylalanine, which is neutral and non-polar, at codon 301 of the TINF2 protein (p.Ser301Phe). This variant is not present in population databases (gnomAD no frequency). This variant has not been reported in the literature in individuals affected with TINF2-related conditions. An algorithm developed to predict the effect of missense changes on protein structure and function (PolyPhen-2) suggests that this variant is likely to be disruptive. In summary, the available evidence is currently insufficient to determine the role of this variant in disease. Therefore, it has been classified as a Variant of Uncertain Significance.